The following is an entry in ClinVar:

ClinVar aggregate classification (germline): Uncertain significance. Review status: criteria provided, multiple submitters, no conflicts (2 of 4 stars). 2 submissions from 2 submitters: Uncertain significance (2). Last evaluated 2022-07-17.

Conditions:
Hereditary spastic paraplegia 30. Identifiers: Orphanet 101010, MedGen C5235139, MONDO:0012476.
Neuropathy, hereditary sensory, type 2C. Also called: Hereditary sensory and autonomic neuropathy type IIC; KIF1A-Related HSAN2 (HSAN2C). Identifiers: Orphanet 970, MedGen C3280168, MONDO:0013634, OMIM 614213.
Intellectual disability, autosomal dominant 9 (NESCAVS). Also called: KIF1A-Related Neurodevelopmental Disorder; NESCAV SYNDROME. Identifiers: Orphanet 662367, MedGen C5393830, MONDO:0013656, OMIM 614255.

gnomAD v4.1: 5 of 1,605,952 alleles (0.00031%); highest among the groups gnomAD compares: Non-Finnish European, 0.00034%; no homozygotes.

Submissions (2):

Labcorp Genetics (formerly Invitae), Labcorp
Classification: Uncertain significance for Hereditary spastic paraplegia 30; Neuropathy, hereditary sensory, type 2C; Intellectual disability, autosomal dominant 9. Last evaluated: 2022-07-17. Review status: criteria provided, single submitter. Criteria: Invitae Variant Classification Sherloc (09022015). Collection method: clinical testing. Allele origin: germline.
Comment: In summary, the available evidence is currently insufficient to determine the role of this variant in disease. Therefore, it has been classified as a Variant of Uncertain Significance. Advanced modeling of protein sequence and biophysical properties (such as structural, functional, and spatial information, amino acid conservation, physicochemical variation, residue mobility, and thermodynamic stability) performed at Invitae indicates that this missense variant is not expected to disrupt KIF1A protein function. This variant has not been reported in the literature in individuals affected with KIF1A-related conditions. This variant is not present in population databases (gnomAD no frequency). This sequence change replaces threonine, which is neutral and polar, with asparagine, which is neutral and polar, at codon 1503 of the KIF1A protein (p.Thr1503Asn).

Blueprint Genetics
Classification: Uncertain significance. Last evaluated: 2019-09-04. Review status: criteria provided, single submitter. Criteria: ACMG Guidelines, 2015. Collection method: clinical testing. Allele origin: germline.

NM_001244008.2(KIF1A):c.4811C>A (p.Thr1604Asn)

Gene: KIF1A (kinesin family member 1A; minus strand). Cytogenetic location: 2q37.3.
Variant type: single nucleotide variant.
Coding change: c.4811C>A on transcript NM_001244008.2 (MANE Select); coding-DNA position 4811, C replaced by A.
Protein change: p.Thr1604Asn; replaces threonine 1604 with asparagine.
Molecular consequence: missense variant.
Genome position (GRCh38, 1-based): chr2:240,720,971, G>T on the plus strand (C>A on the coding strand, the complement: KIF1A is on the minus strand). VCF-style: chr2-240720971-G-T. GRCh37 (hg19) VCF-style: chr2-241660388-G-T.
Other names: c.4622C>A, p.Thr1541Asn (NM_001379636.1); c.4583C>A, p.Thr1528Asn (NM_001379637.1); c.4784C>A, p.Thr1595Asn (NM_001379633.1, NM_001379645.1); c.4637C>A, p.Thr1546Asn (NM_001379634.1); c.4634C>A, p.Thr1545Asn (NM_001379635.1, NM_001379646.1); c.4610C>A, p.Thr1537Asn (NM_001379648.1, NM_001330290.2); c.4559C>A, p.Thr1520Asn (NM_001379638.1); c.4532C>A, p.Thr1511Asn (NM_001379639.1, NM_001379654.1); and 7 more; short protein forms T1595N, T1604N, T1511N, T1528N, T1512N, T1520N, T1521N, T1537N.
Identifiers: ClinVar variation 1985357 (VCV001985357.5), dbSNP rs982977592, ClinGen allele CA351301755.